The following is an entry in ClinVar:

ClinVar aggregate classification (germline): Uncertain significance (1 of 4 stars; one submission).

Conditions:
Epileptic encephalopathy. Identifiers: MedGen C0543888, HP:0200134.

Allele frequency attached by ClinVar (database versions not stated): gnomAD exomes below 0.00001 and 0.00001; TOPMed below 0.00001.
gnomAD v4.1: 2 of 1,612,670 alleles (0.00012%); highest among the groups gnomAD compares: Non-Finnish European, 0.00017%; no homozygotes.

Submission:

Labcorp Genetics (formerly Invitae), Labcorp
Classification: Uncertain significance for Epileptic encephalopathy. Last evaluated: 2022-10-17. Review status: criteria provided, single submitter. Criteria: Invitae Variant Classification Sherloc (09022015). Collection method: clinical testing. Allele origin: germline.
Comment: In summary, the available evidence is currently insufficient to determine the role of this variant in disease. Therefore, it has been classified as a Variant of Uncertain Significance. Algorithms developed to predict the effect of missense changes on protein structure and function output the following: SIFT: "Tolerated"; PolyPhen-2: "Benign"; Align-GVGD: "Class C0". The glutamine amino acid residue is found in multiple mammalian species, which suggests that this missense change does not adversely affect protein function. ClinVar contains an entry for this variant (Variation ID: 1382871). This variant has not been reported in the literature in individuals affected with FASN-related conditions. This variant is present in population databases (no rsID available, gnomAD 0.002%). This sequence change replaces glutamic acid, which is acidic and polar, with glutamine, which is neutral and polar, at codon 697 of the FASN protein (p.Glu697Gln).

NM_004104.5(FASN):c.2089G>C (p.Glu697Gln)

Gene: FASN (fatty acid synthase; minus strand). Cytogenetic location: 17q25.3.
Variant type: single nucleotide variant.
Coding change: c.2089G>C on transcript NM_004104.5 (MANE Select); coding-DNA position 2089, G replaced by C.
Protein change: p.Glu697Gln; replaces glutamic acid 697 with glutamine.
Molecular consequence: missense variant.
Genome position (GRCh38, 1-based): chr17:82,089,261, C>G on the plus strand (G>C on the coding strand, the complement: FASN is on the minus strand). VCF-style: chr17-82089261-C-G. GRCh37 (hg19) VCF-style: chr17-80047137-C-G.
Other names: short protein forms E697Q.
Identifiers: ClinVar variation 1382871 (VCV001382871.8), dbSNP rs1351017479, ClinGen allele CA401558711.